The following is an entry in ClinVar:

ClinVar aggregate classification (germline): Uncertain significance. Review status: criteria provided, multiple submitters, no conflicts (2 of 4 stars). 2 submissions from 2 submitters: Uncertain significance (2). Last evaluated 2025-10-29.

Conditions:
PDXK-related disorder. Also called: PDXK-related condition.

gnomAD v4.1: 46 of 1,613,428 alleles (0.0029%); highest among the groups gnomAD compares: Non-Finnish European, 0.0038%; no homozygotes.

Submissions (2):

Ambry Genetics
Classification: Uncertain significance. Last evaluated: 2025-10-29. Review status: criteria provided, single submitter. Criteria: Ambry Variant Classification Scheme 2023. Collection method: clinical testing. Allele origin: germline.

PreventionGenetics, part of Exact Sciences
Classification: Uncertain significance for PDXK-related condition. Last evaluated: 2025-09-09. Review status: criteria provided, single submitter. Criteria: ACMG Guidelines, 2015. Collection method: clinical testing. Allele origin: germline.
Comment: The PDXK c.264G>C variant is predicted to result in the amino acid substitution p.Lys88Asn. To our knowledge, this variant has not been reported in the literature. This variant is reported in 0.0031% of alleles in individuals of European (Non-Finnish) descent in gnomAD. At this time, the clinical significance of this variant is uncertain due to the absence of conclusive functional and genetic evidence.

NM_003681.5(PDXK):c.264G>C (p.Lys88Asn)

Gene: PDXK (pyridoxal kinase; plus strand). Cytogenetic location: 21q22.3.
Variant type: single nucleotide variant.
Coding change: c.264G>C on transcript NM_003681.5 (MANE Select); coding-DNA position 264, G replaced by C.
Protein change: p.Lys88Asn; replaces lysine 88 with asparagine.
Molecular consequence: missense variant.
Genome position (GRCh38, 1-based): chr21:43,743,740, G>C. VCF-style: chr21-43743740-G-C. GRCh37 (hg19) VCF-style: chr21-45163621-G-C.
Other names: c.144G>C, p.Lys48Asn (NM_001331030.2); short protein forms K48N, K88N.
Identifiers: ClinVar variation 4566603 (VCV004566603.2).
Genomic context (GRCh38, chr21:43,743,740, plus strand): 5'-GAGTCTCCTGTTTTCTGAGGGTGACCTGGATTCTCCCCCTAAAGGTTATACGAGGGACAA[G>C]TCGTTCCTGGCCATGGTGGTGGACATTGTGCAGGAGCTGAAGCAGCAGAACCCCAGGCTG-3'
Protein context (NP_003672.1, residues 78-98): DYVLTGYTRD[Lys88Asn]SFLAMVVDIV